The following is an entry in ClinVar:

NM_004646.4(NPHS1):c.313G>A (p.Asp105Asn)

Gene: NPHS1 (NPHS1 adhesion molecule, nephrin; minus strand). Cytogenetic location: 19q13.12.
Variant type: single nucleotide variant.
Coding change: c.313G>A on transcript NM_004646.4 (MANE Select); coding-DNA position 313, G replaced by A.
Protein change: p.Asp105Asn; replaces aspartic acid 105 with asparagine.
Molecular consequence: missense variant.
Genome position (GRCh38, 1-based): chr19:35,851,346, C>T on the plus strand (G>A on the coding strand, the complement: NPHS1 is on the minus strand). VCF-style: chr19-35851346-C-T. GRCh37 (hg19) VCF-style: chr19-36342248-C-T.
Other names: short protein forms D105N.
Identifiers: ClinVar variation 56493 (VCV000056493.18), dbSNP rs386833932, ClinGen allele CA250218.

ClinVar aggregate classification (germline): Likely pathogenic. Review status: criteria provided, multiple submitters, no conflicts (2 of 4 stars). 7 submissions from 7 submitters: Likely pathogenic (5). 2 of the submissions do not count toward it. Last evaluated 2025-09-01.

Conditions:
Nephrotic syndrome. Identifiers: MedGen C0027726, MONDO:0005377, HP:0000100.
Finnish congenital nephrotic syndrome (NPHS1). Also called: NEPHROTIC SYNDROME, TYPE 1. Identifiers: Orphanet 839, MedGen C0403399, MONDO:0009732, OMIM 256300.

Allele frequency attached by ClinVar (database versions not stated): TOPMed 0.00001; gnomAD 0.00001; gnomAD exomes below 0.00001.
gnomAD v4.1: 5 of 1,613,538 alleles (0.00031%); highest among the groups gnomAD compares: African/African-American, 0.0027%; no homozygotes.

Submissions (7):

Labcorp Genetics (formerly Invitae), Labcorp
Classification: Likely pathogenic. Last evaluated: 2025-09-01. Review status: criteria provided, single submitter. Criteria: Invitae Variant Classification Sherloc (09022015). Collection method: clinical testing. Allele origin: germline.
Comment: This sequence change replaces aspartic acid, which is acidic and polar, with asparagine, which is neutral and polar, at codon 105 of the NPHS1 protein (p.Asp105Asn). The frequency data for this variant in the population databases is considered unreliable, as metrics indicate poor data quality at this position in the gnomAD database. This missense change has been observed in individuals with nephrotic syndrome (PMID: 25349199, 28204945; internal data). ClinVar contains an entry for this variant (Variation ID: 56493). Invitae Evidence Modeling of protein sequence and biophysical properties (such as structural, functional, and spatial information, amino acid conservation, physicochemical variation, residue mobility, and thermodynamic stability) indicates that this missense variant is expected to disrupt NPHS1 protein function with a positive predictive value of 95%. In summary, the currently available evidence indicates that the variant is pathogenic, but additional data are needed to prove that conclusively. Therefore, this variant has been classified as Likely Pathogenic.

Natera, Inc.
Classification: Likely pathogenic for Finnish congenital nephrotic syndrome. Last evaluated: 2025-08-08. Review status: criteria provided, single submitter. Criteria: Natera Variant Classification Schema (03/2026). Collection method: clinical testing. Allele origin: germline.
Comment: The c.313G>A variant in NPHS1 is a missense variant predicted to cause substitution of aspartic acid to asparagine at amino acid 105. This variant is rare in the general population with a frequency below the threshold expected for the associated phenotype(s). This variant has been observed in one or more individuals affected with the associated recessive disease, as either homozygous or compound heterozygous with a second variant (PMID: 25349199, 28204945). This variant has been identified in one or more affected individuals with a phenotype highly consistent with the associated gene (PMID: 28204945). Computational prediction algorithms indicate this variant is likely to affect gene or protein function. Given the available evidence, this variant is classified as Likely Pathogenic.

Genome Diagnostics Laboratory, The Hospital for Sick Children
Classification: Likely pathogenic for Nephrotic syndrome. Last evaluated: 2024-12-04. Review status: criteria provided, single submitter. Criteria: ACMG Guidelines, 2015. Collection method: clinical testing. Allele origin: germline. Affected: yes.
Comment: This missense variant results in a change from aspartic acid to asparagine at amino acid position 105. This variant has been previously reported in several unrelated individuals with steroid resistant nephrotic syndrome (SNRS) in a heterozygous or compound heterozygous state ( PMID: 15780077; PMID: 25349199; PMID: 28780565; PMID: 28204945; PMID: 36459247). This variant is observed at an allele frequency of 0.00030% in population controls of the Genome Aggregation Database (gnomAD). In silico prediction programs predict this variant to impact protein function. Based on the evidence above, this variant is classified as likely pathogenic (ACMG criteria - PM2, PM3, PP3, PP5).

Fulgent Genetics
Classification: Likely pathogenic for Finnish congenital nephrotic syndrome. Last evaluated: 2024-04-05. Review status: criteria provided, single submitter. Criteria: ACMG Guidelines, 2015. Collection method: clinical testing. Allele origin: germline.

Women's Health and Genetics/Laboratory Corporation of America, LabCorp
Classification: Likely pathogenic for Finnish congenital nephrotic syndrome. Last evaluated: 2018-11-02. Review status: criteria provided, single submitter. Criteria: LabCorp Variant Classification Summary - May 2015. Collection method: clinical testing. Allele origin: germline.
Comment: Variant summary: NPHS1 c.313G>A (p.Asp105Asn) results in a conservative amino acid change located in the Immunoglobulin-like domain of the encoded protein sequence. Four of five in-silico tools predict a damaging effect of the variant on protein function. The variant allele was found at a frequency of 3.6e-06 in 275106 control chromosomes (gnomAD and publications). The variant, c.313G>A, has been reported in the literature in individuals affected with Nephrotic Syndrome, Type 1 (Sadowski_2014, Sako_2005, Sen_2017). These data indicate that the variant is likely to be associated with disease. To our knowledge, no experimental evidence demonstrating an impact on protein function has been reported. One clinical diagnostic laboratory has submitted clinical-significance assessments for this variant to ClinVar after 2014 without evidence for independent evaluation and classified the variant as likely pathogenic. Based on the evidence outlined above, the variant was classified as likely pathogenic.

Counsyl
Classification: Likely pathogenic for Finnish congenital nephrotic syndrome. Last evaluated: 2017-08-22. Review status: no assertion criteria provided. Collection method: clinical testing. Allele origin: unknown. Not counted in ClinVar's aggregate classification.

Juha Muilu Group; Institute for Molecular Medicine Finland (FIMM)
Classification: Likely pathogenic for Finnish congenital nephrotic syndrome. Review status: no assertion criteria provided. Collection method: not provided. Allele origin: unknown. Not counted in ClinVar's aggregate classification.
Comment: FinDis database variant: FinDis database variant: This variant was not found or characterized by our laboratory, data were collected from public sources: see reference
ClinVar note: Converted during submission from probable-pathogenic to Likely pathogenic.

Literature cited by the submitters: PubMed 25349199 (cited by 4 submitters); PubMed 28204945 (cited by 4 submitters); PubMed 15780077 (cited by 3 submitters); PubMed 28780565 (cited by Genome Diagnostics Laboratory, The Hospital for Sick Children and Women's Health and Genetics/Laboratory Corporation of America, LabCorp); PubMed 36459247 (cited by Genome Diagnostics Laboratory, The Hospital for Sick Children).